The following is an entry in ClinVar:

NM_003872.3(NRP2):c.2425+9718_2425+9719insA

Gene: NRP2 (neuropilin 2; plus strand). Cytogenetic location: 2q33.3.
Variant type: Insertion.
Coding change: c.2425+9718_2425+9719insA on transcript NM_003872.3 (MANE Select); bases 9718 to 9719 of the intron after coding-DNA position 2425, A inserted.
Molecular consequence: intron variant. On other transcripts: nonsense (2).
Genome position: GRCh38 VCF-style: chr2-205776521-T-TA. GRCh37 (hg19) VCF-style: chr2-206641245-T-TA.
Other names: c.2716_2717insA, p.Cys906Ter (NM_018534.4); c.2701_2702insA, p.Cys901Ter (NM_201267.2); c.2440+9703_2440+9704insA (NM_201266.2); c.2425+9718_2425+9719insA (NM_201279.2); c.2701_2702insA (NM_201267.1); short protein forms C901*, C906*.
Identifiers: ClinVar variation 218758 (VCV000218758.3), dbSNP rs200483574, ClinGen allele CA249151.
Genomic context (GRCh38, chr2:205,776,521, plus strand): 5'-GCCCCTCTGGCGGTGGAGCCCACCCTAACCATTAAGCTAGAGCAAGACCGTGGCTCGCAC[T>TA]GCTGAGGGCCGAAGCAAGAACAGCACCCAAAACAAACGAGAAAGACTGCAAACATGTTGC-3'

ClinVar aggregate classification (germline): Benign. Review status: criteria provided, single submitter (1 of 4 stars). 2 submissions from 2 submitters: Benign (1). 1 of the submissions does not count toward it. Last evaluated 2015-04-17.

Conditions:
NRP2-related disorder. Also called: NRP2-related condition.

Allele frequency attached by ClinVar (database versions not stated): ExAC 0.02093; 1000 Genomes Project 0.02456; 1000 Genomes Project 30x 0.02530; ESP Exome Variant Server 0.02899; gnomAD 0.03870 and 0.04001; gnomAD exomes 0.04482.

Submissions (2):

Genomic Diagnostic Laboratory, Division of Genomic Diagnostics, Children's Hospital of Philadelphia
Classification: Benign. Last evaluated: 2015-04-17. Review status: criteria provided, single submitter. Criteria: DGD Variant Analysis Guidelines. Collection method: clinical testing. Allele origin: unknown.

PreventionGenetics, part of Exact Sciences
Classification: Benign for NRP2-related condition. Last evaluated: 2020-06-05. Review status: no assertion criteria provided. Collection method: clinical testing. Allele origin: germline. Not counted in ClinVar's aggregate classification.
Comment: This variant is classified as benign based on ACMG/AMP sequence variant interpretation guidelines (Richards et al. 2015 PMID: 25741868, with internal and published modifications).